The following is an entry in ClinVar:

ClinVar aggregate classification (germline): Uncertain significance (1 of 4 stars; one submission).

Conditions:
Brugada syndrome 8 (BRGDA8). Identifiers: Orphanet 130, MedGen C2751083, MONDO:0013148, OMIM 613123.

Submission:

Labcorp Genetics (formerly Invitae), Labcorp
Classification: Uncertain significance for Brugada syndrome 8. Last evaluated: 2022-10-03. Review status: criteria provided, single submitter. Criteria: Invitae Variant Classification Sherloc (09022015). Collection method: clinical testing. Allele origin: germline.
Comment: In summary, the available evidence is currently insufficient to determine the role of this variant in disease. Therefore, it has been classified as a Variant of Uncertain Significance. Advanced modeling of protein sequence and biophysical properties (such as structural, functional, and spatial information, amino acid conservation, physicochemical variation, residue mobility, and thermodynamic stability) performed at Invitae indicates that this missense variant is not expected to disrupt HCN4 protein function. This variant has not been reported in the literature in individuals affected with HCN4-related conditions. This variant is not present in population databases (gnomAD no frequency). This sequence change replaces proline, which is neutral and non-polar, with leucine, which is neutral and non-polar, at codon 1034 of the HCN4 protein (p.Pro1034Leu).

NM_005477.3(HCN4):c.3101C>T (p.Pro1034Leu)

Gene: HCN4 (hyperpolarization activated cyclic nucleotide gated potassium channel 4; minus strand). Cytogenetic location: 15q24.1.
Variant type: single nucleotide variant.
Coding change: c.3101C>T on transcript NM_005477.3 (MANE Select); coding-DNA position 3101, C replaced by T.
Protein change: p.Pro1034Leu; replaces proline 1034 with leucine.
Molecular consequence: missense variant.
Genome position (GRCh38, 1-based): chr15:73,322,992, G>A on the plus strand (C>T on the coding strand, the complement: HCN4 is on the minus strand). VCF-style: chr15-73322992-G-A. GRCh37 (hg19) VCF-style: chr15-73615333-G-A.
Other names: short protein forms P1034L.
Identifiers: ClinVar variation 1988408 (VCV001988408.4), dbSNP rs928266429, ClinGen allele CA393086213.